The following is an entry in ClinVar:

NM_000138.5(FBN1):c.2622G>T (p.Gln874His)

Gene: FBN1 (fibrillin 1; minus strand). Cytogenetic location: 15q21.1.
Variant type: single nucleotide variant.
Coding change: c.2622G>T on transcript NM_000138.5 (MANE Select); coding-DNA position 2622, G replaced by T.
Protein change: p.Gln874His; replaces glutamine 874 with histidine.
Molecular consequence: missense variant.
Genome position (GRCh38, 1-based): chr15:48,495,178, C>A on the plus strand (G>T on the coding strand, the complement: FBN1 is on the minus strand). VCF-style: chr15-48495178-C-A. GRCh37 (hg19) VCF-style: chr15-48787375-C-A.
Other names: short protein forms Q874H.
Identifiers: ClinVar variation 919927 (VCV000919927.4), dbSNP rs2043595231, ClinGen allele CA392332368.

ClinVar aggregate classification (germline): Uncertain significance (1 of 4 stars; one submission).

Conditions:
Familial thoracic aortic aneurysm and aortic dissection (TAAD). Also called: Thoracic aortic aneurysms and dissections. Identifiers: Orphanet 91387, MedGen C4707243, MONDO:0019625.

Allele frequency attached by ClinVar (database versions not stated): gnomAD exomes below 0.00001.
gnomAD v4.1: 1 of 1,614,168 alleles (0.000062%); highest among the groups gnomAD compares: Non-Finnish European, 0.000085%; no homozygotes.

Submission:

Color Diagnostics, LLC DBA Color Health
Classification: Uncertain significance for Familial thoracic aortic aneurysm and aortic dissection. Last evaluated: 2023-12-04. Review status: criteria provided, single submitter. Criteria: ACMG Guidelines, 2015. Collection method: clinical testing. Allele origin: germline.
Comment: This missense variant replaces glutamine with histidine at codon 874 of the FBN1 protein. Computational prediction suggests that this variant may not impact protein structure and function (internally defined REVEL score threshold <= 0.5, PMID: 27666373). To our knowledge, functional studies have not been reported for this variant. This variant has not been reported in individuals affected with FBN1-related disorders in the literature. This variant has not been identified in the general population by the Genome Aggregation Database (gnomAD). The available evidence is insufficient to determine the role of this variant in disease conclusively. Therefore, this variant is classified as a Variant of Uncertain Significance.